The following is an entry in ClinVar:

NM_000138.5(FBN1):c.6362C>A (p.Pro2121His)

Gene: FBN1 (fibrillin 1; minus strand). Cytogenetic location: 15q21.1.
Variant type: single nucleotide variant.
Coding change: c.6362C>A on transcript NM_000138.5 (MANE Select); coding-DNA position 6362, C replaced by A.
Protein change: p.Pro2121His; replaces proline 2121 with histidine.
Molecular consequence: missense variant.
Genome position (GRCh38, 1-based): chr15:48,437,339, G>T on the plus strand (C>A on the coding strand, the complement: FBN1 is on the minus strand). VCF-style: chr15-48437339-G-T. GRCh37 (hg19) VCF-style: chr15-48729536-G-T.
Other names: c.6362C>A, p.Pro2121His (NM_001406716.1); short protein forms P2121H.
Identifiers: ClinVar variation 3072906 (VCV003072906.1), dbSNP rs2505436857, ClinGen allele CA392336771.

ClinVar aggregate classification (germline): Uncertain significance (1 of 4 stars; one submission).

Conditions:
Marfan syndrome (MFS). Also called: MARFAN SYNDROME, TYPE I; Marfan syndrome type 1; Marfan's syndrome; Marfan syndrome, classic; FBN1-Related Marfan Syndrome. Identifiers: Orphanet 284963, Orphanet 558, MedGen C0024796, MONDO:0007947, OMIM 154700.

Submission:

All of Us Research Program, National Institutes of Health
Classification: Uncertain significance for Marfan syndrome. Last evaluated: 2023-08-15. Review status: criteria provided, single submitter. Criteria: ACMG Guidelines, 2015. Collection method: clinical testing. Allele origin: germline. Inheritance: Autosomal dominant inheritance. Observed: 1 variant allele, 1 heterozygote.
Comment: This missense variant replaces proline with histidine at codon 2121 of the FBN1 protein. Computational prediction suggests that this variant may not impact protein structure and function (internally defined REVEL score threshold <= 0.5, PMID: 27666373). To our knowledge, functional studies have not been reported for this variant. This variant has not been reported in individuals affected with FBN1-related disorders in the literature. This variant has not been identified in the general population by the Genome Aggregation Database (gnomAD). The available evidence is insufficient to determine the role of this variant in disease conclusively. Therefore, this variant is classified as a Variant of Uncertain Significance.

This study involves interpretation of variants in research participants for the purpose of population health screening. Participant phenotype was not available at the time of variant classification. Additional details can be found in publication PMID: 35346344, PMCID: PMC8962531